The following is an entry in ClinVar:

NM_001009944.3(PKD1):c.8688C>T (p.Ser2896=)

Gene: PKD1 (polycystin 1, transient receptor potential channel interacting; minus strand). Cytogenetic location: 16p13.3.
Variant type: single nucleotide variant.
Coding change: c.8688C>T on transcript NM_001009944.3 (MANE Select); coding-DNA position 8688, C replaced by T.
Protein change: p.Ser2896=; no amino-acid change (serine 2896 retained).
Molecular consequence: synonymous variant.
Genome position (GRCh38, 1-based): chr16:2,103,369, G>A on the plus strand (C>T on the coding strand, the complement: PKD1 is on the minus strand). VCF-style: chr16-2103369-G-A. GRCh37 (hg19) VCF-style: chr16-2153370-G-A.
Other names: c.8688C>T, p.Ser2896= (NM_000296.4).
Identifiers: ClinVar variation 997206 (VCV000997206.2), dbSNP rs548736542, ClinGen allele CA7830422.
Genomic context (GRCh38, chr16:2,103,369, plus strand): 5'-AGGGTTGCTGCTGTCCAGGGTGACCACAGCACCGACGGAGGCCTGGGGCTGGACCACAAC[G>A]GAGTTGGCGGAGTTGGCGGAGCTGCGGTGGCCCCGGGCAGCCCAGTCCGAGTTGTTGGGC-3'
Protein context (NP_001009944.3, residues 2886-2906): GHRSSANSAN[Ser2896=]VVVQPQASVG

ClinVar aggregate classification (germline): Uncertain significance. Review status: criteria provided, single submitter (1 of 4 stars). 2 submissions from 2 submitters: Uncertain significance (1). 1 of the submissions does not count toward it. Last evaluated 2024-04-24.

Conditions:
Polycystic kidney disease, adult type (PKD1). Also called: POLYCYSTIC KIDNEY DISEASE, ADULT, TYPE I; Polycystic Kidney Disease 1, Autosomal Dominant; Polycystic kidney disease 1; Polycystic kidney disease 1, severe; Polycystic Kidney, Autosomal Dominant; POLYCYSTIC KIDNEY DISEASE 1 WITH OR WITHOUT POLYCYSTIC LIVER DISEASE. Identifiers: MedGen C3149841, MONDO:0008263, OMIM 173900.
Polycystic kidney disease. Also called: Polycystic kidney dysplasia; Kidney, Polycystic. Identifiers: MedGen C0022680, MeSH D007690, MONDO:0020642, HP:0000113.

Allele frequency attached by ClinVar (database versions not stated): gnomAD 0.00001; gnomAD exomes 0.00001; TOPMed 0.00001; ExAC 0.00002; 1000 Genomes Project 0.00020.
gnomAD v4.1: 23 of 1,601,280 alleles (0.0014%); highest among the groups gnomAD compares: East Asian, 0.0067%; no homozygotes.

Submissions (2):

Fulgent Genetics
Classification: Uncertain significance for Polycystic kidney disease, adult type. Last evaluated: 2024-04-24. Review status: criteria provided, single submitter. Criteria: ACMG Guidelines, 2015. Collection method: clinical testing. Allele origin: germline.

Department of Pathology and Laboratory Medicine, Sinai Health System
Classification: Likely benign for Polycystic Kidney disease. Review status: no assertion criteria provided. Collection method: clinical testing. Allele origin: unknown. Affected: yes. Study: The Canadian Open Genetics Repository (COGR). Not counted in ClinVar's aggregate classification.
Comment: The PKD1 p.Ser2896= variant was not identified in the literature nor was it identified in the ClinVar, LOVD 3.0, ADPKD Mutation Database, or PKD1-LOVD databases. The variant was identified in dbSNP (ID: rs548736542) as â€šÃ„ÃºNAâ€šÃ„Ã¹. The variant was identified in control databases in 3 of 263934 chromosomes at a frequency of 0.00001 (Genome Aggregation Database Feb 27, 2017). The variant was observed in the following populations: European (Non-Finnish) in 1 of 122316 chromosomes (freq: 0.000008), East Asian in 1 of 18614 chromosomes (freq: 0.00005), and South Asian in 1 of 30674 chromosomes (freq: 0.00003), while the variant was not observed in the African, Other, Latino, Ashkenazi Jewish, or European (Finnish) populations. In addition, we cannot be certain that data from control databases is specific to PKD1 and not from one of the six PKD1 pseudogenes. The p.Ser2896= variant is not expected to have clinical significance because it does not result in a change of amino acid and is not located in a known consensus splice site. In addition, in silico or computational prediction software programs (SpliceSiteFinder, MaxEntScan, NNSPLICE, GeneSplicer) do not predict a difference in splicing. In summary, based on the above information, the clinical significance of this variant cannot be determined with certainty at this time although we would lean towards a more benign role for this variant. This variant is classified as likely benign.